The following is an entry in ClinVar:

ClinVar aggregate classification (germline): Uncertain significance (1 of 4 stars; one submission).

Submission:

Labcorp Genetics (formerly Invitae), Labcorp
Classification: Uncertain significance. Last evaluated: 2025-08-21. Review status: criteria provided, single submitter. Criteria: Invitae Variant Classification Sherloc (09022015). Collection method: clinical testing. Allele origin: germline.
Comment: This sequence change replaces histidine, which is basic and polar, with arginine, which is basic and polar, at codon 353 of the GUCY2C protein (p.His353Arg). This variant is not present in population databases (gnomAD no frequency). This variant has not been reported in the literature in individuals affected with GUCY2C-related conditions. Invitae Evidence Modeling of protein sequence and biophysical properties (such as structural, functional, and spatial information, amino acid conservation, physicochemical variation, residue mobility, and thermodynamic stability) indicates that this missense variant is not expected to disrupt GUCY2C protein function with a negative predictive value of 80%. In summary, the available evidence is currently insufficient to determine the role of this variant in disease. Therefore, it has been classified as a Variant of Uncertain Significance.

NM_004963.4(GUCY2C):c.1058A>G (p.His353Arg)

Genes: GUCY2C (guanylate cyclase 2C; minus strand), GUCY2C-AS1 (GUCY2C antisense RNA 1; plus strand). Cytogenetic location: 12p12.3.
Variant type: single nucleotide variant.
Coding change: c.1058A>G on transcript NM_004963.4 (MANE Select); coding-DNA position 1058, A replaced by G.
Protein change: p.His353Arg; replaces histidine 353 with arginine.
Molecular consequence: missense variant.
Genome position (GRCh38, 1-based): chr12:14,674,651, T>C on the plus strand (A>G on the coding strand, the complement: GUCY2C is on the minus strand). VCF-style: chr12-14674651-T-C. GRCh37 (hg19) VCF-style: chr12-14827585-T-C.
Other names: short protein forms H353R.
Identifiers: ClinVar variation 4738746 (VCV004738746.1).